The following is an entry in ClinVar:

ClinVar aggregate classification (germline): Pathogenic (1 of 4 stars; one submission).

Conditions:
Marfan syndrome (MFS). Also called: MARFAN SYNDROME, TYPE I; Marfan syndrome type 1; Marfan's syndrome; Marfan syndrome, classic; FBN1-Related Marfan Syndrome. Identifiers: Orphanet 284963, Orphanet 558, MedGen C0024796, MONDO:0007947, OMIM 154700.

Submission:

Laboratory for Molecular Medicine, Mass General Brigham Personalized Medicine
Classification: Pathogenic for Marfan syndrome. Last evaluated: 2012-07-31. Review status: criteria provided, single submitter. Criteria: ACMG Guidelines, 2015. Collection method: clinical testing. Allele origin: germline. Inheritance: Autosomal dominant inheritance.
Comment: The Val1756fs variant in FBN1 has not been reported in the literature nor previously identified by our laboratory. This frameshift variant is predicted to alter the protein’s amino acid sequence beginning at position 1756 and lead to a premature termination codon 137 amino acids downstream. This alteration is then predicted to lead to a truncated or absent protein. Heterozygous loss of function of the FBN1 gene is an established disease mechanism in Marfan syndrome. In summary, this variant meets our criteria to be classified as pathogenic.

NM_000138.5(FBN1):c.5266del (p.Val1756fs)

Gene: FBN1 (fibrillin 1; minus strand). Cytogenetic location: 15q21.1.
Variant type: Deletion.
Coding change: c.5266del on transcript NM_000138.5 (MANE Select); coding-DNA position 5266, one base deleted (G; older notation c.5266delG).
Protein change: p.Val1756fs; shifts the reading frame from valine 1756.
Molecular consequence: frameshift variant.
Genome position (GRCh38, 1-based): chr15:48,460,276, C deleted on the plus strand (G on the coding strand, the reverse complement: FBN1 is on the minus strand). VCF-style (leftmost placement, unchanged base first): chr15-48460275-AC-A. GRCh37 (hg19) VCF-style: chr15-48752472-AC-A.
Other names: c.5266del, p.Val1756fs (NM_001406716.1); short protein forms V1756fs.
Identifiers: ClinVar variation 3075998 (VCV003075998.1), dbSNP rs2505485530, ClinGen allele CA913188646.